The following is an entry in ClinVar:

NM_001277115.2(DNAH11):c.2559del (p.Glu854fs)

Gene: DNAH11 (dynein axonemal heavy chain 11; plus strand). Cytogenetic location: 7p15.3.
Variant type: Deletion.
Coding change: c.2559del on transcript NM_001277115.2 (MANE Select); coding-DNA position 2559, one base deleted (A; older notation c.2559delA).
Protein change: p.Glu854fs; shifts the reading frame from glutamic acid 854.
Molecular consequence: frameshift variant.
Genome position (GRCh38, 1-based): chr7:21,591,469, A deleted. VCF-style (leftmost placement, unchanged base first): chr7-21591468-GA-G. GRCh37 (hg19) VCF-style: chr7-21631086-GA-G.
Other names: short protein forms E854fs.
Identifiers: ClinVar variation 577884 (VCV000577884.7), dbSNP rs1562684798, ClinGen allele CA891843199.

ClinVar aggregate classification (germline): Pathogenic (1 of 4 stars; one submission).

Conditions:
Primary ciliary dyskinesia. Also called: Ciliary dyskinesia. Identifiers: Orphanet 244, MedGen C0008780, MONDO:0016575, HP:0012265.

Submission:

Labcorp Genetics (formerly Invitae), Labcorp
Classification: Pathogenic for Primary ciliary dyskinesia. Last evaluated: 2023-01-24. Review status: criteria provided, single submitter. Criteria: Invitae Variant Classification Sherloc (09022015). Collection method: clinical testing. Allele origin: germline.
Comment: This sequence change creates a premature translational stop signal (p.Glu854Serfs*23) in the DNAH11 gene. It is expected to result in an absent or disrupted protein product. Loss-of-function variants in DNAH11 are known to be pathogenic (PMID: 18022865, 20513915, 22184204). For these reasons, this variant has been classified as Pathogenic. ClinVar contains an entry for this variant (Variation ID: 577884). This variant has not been reported in the literature in individuals affected with DNAH11-related conditions. This variant is not present in population databases (gnomAD no frequency).

Literature cited by the submitters: PubMed 18022865; PubMed 20513915; PubMed 22184204.